The following is an entry in ClinVar:

ClinVar aggregate classification (germline): Uncertain significance. Review status: criteria provided, multiple submitters, no conflicts (2 of 4 stars). 2 submissions from 2 submitters: Uncertain significance (2). Last evaluated 2025-10-14.

Conditions:
Hereditary cancer-predisposing syndrome. Also called: Neoplastic Syndromes, Hereditary; Tumor predisposition; Hereditary Cancer Syndrome; Hereditary neoplastic syndrome. Identifiers: Orphanet 140162, MedGen C0027672, MeSH D009386, MONDO:0015356.
Retinoblastoma (RB1). Also called: RETINOBLASTOMA, SOMATIC. Identifiers: Orphanet 790, MedGen C0035335, MeSH D012175, MONDO:0008380, OMIM 180200, HP:0009919. Disease mechanism: loss of function. Inheritance: Both sporadic and heritable forms are tested..

Submissions (2):

Labcorp Genetics (formerly Invitae), Labcorp
Classification: Uncertain significance for Retinoblastoma. Last evaluated: 2025-10-14. Review status: criteria provided, single submitter. Criteria: Invitae Variant Classification Sherloc (09022015). Collection method: clinical testing. Allele origin: germline.
Comment: This sequence change falls in intron 3 of the RB1 gene. It does not directly change the encoded amino acid sequence of the RB1 protein. It affects a nucleotide within the consensus splice site. This variant is not present in population databases (gnomAD no frequency). This variant has not been reported in the literature in individuals affected with RB1-related conditions. ClinVar contains an entry for this variant (Variation ID: 3430886). Variants that disrupt the consensus splice site are a relatively common cause of aberrant splicing (PMID: 17576681, 9536098). Algorithms developed to predict the effect of sequence changes on RNA splicing suggest that this variant is not likely to affect RNA splicing. In summary, the available evidence is currently insufficient to determine the role of this variant in disease. Therefore, it has been classified as a Variant of Uncertain Significance.

Ambry Genetics
Classification: Uncertain significance for Hereditary cancer-predisposing syndrome. Last evaluated: 2024-10-02. Review status: criteria provided, single submitter. Criteria: Ambry Variant Classification Scheme 2023. Collection method: clinical testing. Allele origin: germline.
Comment: The c.381-3T>C intronic variant results from a T to C substitution 3 nucleotides upstream from coding exon 4 in the RB1 gene. This nucleotide position is not well conserved in available vertebrate species. In silico splice site analysis predicts that this alteration will not have any significant effect on splicing. Based on the available evidence, the clinical significance of this variant remains unclear.

Literature cited by the submitters: PubMed 17576681 (cited by Labcorp Genetics (formerly Invitae), Labcorp); PubMed 9536098 (cited by Labcorp Genetics (formerly Invitae), Labcorp).

NM_000321.3(RB1):c.381-3T>C

Gene: RB1 (RB transcriptional corepressor 1; plus strand). Cytogenetic location: 13q14.2.
Variant type: single nucleotide variant.
Coding change: c.381-3T>C on transcript NM_000321.3 (MANE Select); 3 bases into the intron before coding-DNA position 381, T replaced by C.
Molecular consequence: intron variant.
Genome position (GRCh38, 1-based): chr13:48,345,077, T>C. VCF-style: chr13-48345077-T-C. GRCh37 (hg19) VCF-style: chr13-48919213-T-C.
Other names: c.381-3T>C (NM_001407165.1, NM_001407166.1).
Identifiers: ClinVar variation 3430886 (VCV003430886.2).
Genomic context (GRCh38, chr13:48,345,077, plus strand): 5'-AAAACGAAATAACACAAATTTTTAAGGTTACTGATTTACTTTTTTCTATTCTTTCCTTTG[T>C]AGTGTCCATAAATTCTTTAACTTACTAAAAGAAATTGATACCAGTACCAAAGTTGATAAT-3'